The following is an entry in ClinVar:

ClinVar aggregate classification (germline): Uncertain significance (1 of 4 stars; one submission).

gnomAD v4.1: 4 of 1,613,780 alleles (0.00025%); highest among the groups gnomAD compares: Non-Finnish European, 0.00034%; no homozygotes.

Submission:

Labcorp Genetics (formerly Invitae), Labcorp
Classification: Uncertain significance. Last evaluated: 2021-08-14. Review status: criteria provided, single submitter. Criteria: Invitae Variant Classification Sherloc (09022015). Collection method: clinical testing. Allele origin: germline.
Comment: This sequence change replaces isoleucine with leucine at codon 2633 of the PCLO protein (p.Ile2633Leu). The isoleucine residue is weakly conserved and there is a small physicochemical difference between isoleucine and leucine. This variant is present in population databases (rs374002924, ExAC 0.001%). This variant has not been reported in the literature in individuals affected with PCLO-related conditions. Algorithms developed to predict the effect of missense changes on protein structure and function are either unavailable or do not agree on the potential impact of this missense change (SIFT: "Tolerated"; PolyPhen-2: "Not Available"; Align-GVGD: "Class C0"). In summary, the available evidence is currently insufficient to determine the role of this variant in disease. Therefore, it has been classified as a Variant of Uncertain Significance.

NM_033026.6(PCLO):c.7897A>C (p.Ile2633Leu)

Gene: PCLO (piccolo presynaptic cytomatrix protein; minus strand). Cytogenetic location: 7q21.11.
Variant type: single nucleotide variant.
Coding change: c.7897A>C on transcript NM_033026.6 (MANE Select); coding-DNA position 7897, A replaced by C.
Protein change: p.Ile2633Leu; replaces isoleucine 2633 with leucine.
Molecular consequence: missense variant.
Genome position (GRCh38, 1-based): chr7:82,953,056, T>G on the plus strand (A>C on the coding strand, the complement: PCLO is on the minus strand). VCF-style: chr7-82953056-T-G. GRCh37 (hg19) VCF-style: chr7-82582372-T-G.
Other names: c.7897A>C, p.Ile2633Leu (NM_014510.3); short protein forms I2633L.
Identifiers: ClinVar variation 1516785 (VCV001516785.5), dbSNP rs374002924, ClinGen allele CA4320226.